The following is an entry in ClinVar:

ClinVar aggregate classification (germline): Uncertain significance (1 of 4 stars; one submission).

Conditions:
Anauxetic dysplasia. Identifiers: Orphanet 93347, MedGen C1846796, MONDO:0011773.

Submission:

Labcorp Genetics (formerly Invitae), Labcorp
Classification: Uncertain significance for Anauxetic dysplasia. Last evaluated: 2021-09-08. Review status: criteria provided, single submitter. Criteria: Invitae Variant Classification Sherloc (09022015). Collection method: clinical testing. Allele origin: germline.
Comment: This variant occurs in the RMRP gene, which encodes an RNA molecule that does not result in a protein product. The frequency data for this variant in the population databases is considered unreliable, as metrics indicate insufficient coverage at this position in the ExAC database. This variant has not been reported in the literature in individuals affected with RMRP-related conditions. Experimental studies and prediction algorithms are not available or were not evaluated, and the functional significance of this variant is currently unknown. In summary, the available evidence is currently insufficient to determine the role of this variant in disease. Therefore, it has been classified as a Variant of Uncertain Significance.

NC_000009.12:g.35658105del

Gene: RMRP (RNA component of mitochondrial RNA processing endoribonuclease; minus strand). Cytogenetic location: 9p13.3.
Variant type: Deletion.
Genome position: GRCh38 VCF-style: chr9-35658103-AT-A. GRCh37 (hg19) VCF-style: chr9-35658100-AT-A.
Identifiers: ClinVar variation 1383153 (VCV001383153.5), dbSNP rs777581273, ClinGen allele CA192745808.